The following is an entry in ClinVar:

ClinVar aggregate classification (germline): Uncertain significance (0 of 4 stars; one submission).

Conditions:
RBPJ-related disorder. Also called: RBPJ-related condition.

gnomAD v4.1: 1 of 1,555,730 alleles (0.000064%); highest among the groups gnomAD compares: Non-Finnish European, 0.000087%; no homozygotes.

Submission:

PreventionGenetics, part of Exact Sciences
Classification: Uncertain significance for RBPJ-related condition. Last evaluated: 2024-02-02. Review status: no assertion criteria provided. Collection method: clinical testing. Allele origin: germline.
Comment: The RBPJ c.34C>G variant is predicted to result in the amino acid substitution p.Pro12Ala. To our knowledge, this variant has not been reported in the literature. This variant is reported in 0.0016% of alleles in individuals of European (Non-Finnish) descent in gnomAD. At this time, the clinical significance of this variant is uncertain due to the absence of conclusive functional and genetic evidence.

NM_005349.4(RBPJ):c.34C>G (p.Pro12Ala)

Gene: RBPJ (recombination signal binding protein for immunoglobulin kappa J region; plus strand). Cytogenetic location: 4p15.2.
Variant type: single nucleotide variant.
Coding change: c.34C>G on transcript NM_005349.4; coding-DNA position 34, C replaced by G.
Protein change: p.Pro12Ala; replaces proline 12 with alanine.
Molecular consequence: missense variant. On other transcripts: 5 prime UTR variant (1), intron variant (4).
Genome position (GRCh38, 1-based): chr4:26,320,790, C>G. VCF-style: chr4-26320790-C-G. GRCh37 (hg19) VCF-style: chr4-26322412-C-G.
Other names: c.34C>G, p.Pro12Ala (NM_001374400.1, NM_001379408.1); c.-192C>G (NM_001379407.1); c.-166-41656C>G (NM_001374401.1); c.-167+902C>G (NM_001379406.1); c.-47+902C>G (NM_203283.5); c.14+902C>G (NM_001379409.1); short protein forms P12A.
Identifiers: ClinVar variation 3033451 (VCV003033451.2), dbSNP rs1382137277, ClinGen allele CA356668365.
Genomic context (GRCh38, chr4:26,320,790, plus strand): 5'-AAAACCCGGATAACCGGAGCGCTCCCCATGGACCACACGGAGGGCTCGCCCGCGGAGGAG[C>G]CGCCTGCGCATGCTCCATCGCCTGGGTAGGTTTCCAGGGAAGGCAGCGAGCAGGATCCCC-3'